The following is an entry in ClinVar:

NM_000400.4(ERCC2):c.1030C>G (p.Leu344Val)

Gene: ERCC2 (ERCC excision repair 2, TFIIH core complex helicase subunit; minus strand). Cytogenetic location: 19q13.32.
Variant type: single nucleotide variant.
Coding change: c.1030C>G on transcript NM_000400.4 (MANE Select); coding-DNA position 1030, C replaced by G.
Protein change: p.Leu344Val; replaces leucine 344 with valine.
Molecular consequence: missense variant.
Genome position (GRCh38, 1-based): chr19:45,363,831, G>C on the plus strand (C>G on the coding strand, the complement: ERCC2 is on the minus strand). VCF-style: chr19-45363831-G-C. GRCh37 (hg19) VCF-style: chr19-45867089-G-C.
Other names: c.958C>G, p.Leu320Val (NM_001130867.2); short protein forms L344V, L320V.
Identifiers: ClinVar variation 2566688 (VCV002566688.2), dbSNP rs2123285850, ClinGen allele CA406372659.

ClinVar aggregate classification (germline): Uncertain significance (1 of 4 stars; one submission).

Conditions:
Inborn genetic diseases. Identifiers: MedGen C0950123, MeSH D030342.

Submission:

Ambry Genetics
Classification: Uncertain significance for Inborn genetic diseases. Last evaluated: 2023-04-14. Review status: criteria provided, single submitter. Criteria: Ambry Variant Classification Scheme 2023. Collection method: clinical testing. Allele origin: germline.
Comment: The p.L344V variant (also known as c.1030C>G), located in coding exon 11 of the ERCC2 gene, results from a C to G substitution at nucleotide position 1030. The leucine at codon 344 is replaced by valine, an amino acid with highly similar properties. This amino acid position is conserved. In addition, the in silico prediction for this alteration is inconclusive. Since supporting evidence is limited at this time, the clinical significance of this alteration remains unclear.